The following is an entry in ClinVar:

ClinVar aggregate classification (germline): Uncertain significance (1 of 4 stars; one submission).

Conditions:
Hereditary cancer-predisposing syndrome. Also called: Neoplastic Syndromes, Hereditary; Tumor predisposition; Hereditary Cancer Syndrome; Hereditary neoplastic syndrome. Identifiers: Orphanet 140162, MedGen C0027672, MeSH D009386, MONDO:0015356.

gnomAD v4.1: 1 of 1,614,204 alleles (0.000062%); no homozygotes.

Submission:

Ambry Genetics
Classification: Uncertain significance for Hereditary cancer-predisposing syndrome. Last evaluated: 2022-09-25. Review status: criteria provided, single submitter. Criteria: Ambry Variant Classification Scheme 2023. Collection method: clinical testing. Allele origin: germline.
Comment: The p.Q1198R variant (also known as c.3593A>G), located in coding exon 20 of the DICER1 gene, results from an A to G substitution at nucleotide position 3593. The glutamine at codon 1198 is replaced by arginine, an amino acid with highly similar properties. This amino acid position is conserved. In addition, this alteration is predicted to be deleterious by in silico analysis. Since supporting evidence is limited at this time, the clinical significance of this alteration remains unclear.

NM_177438.3(DICER1):c.3593A>G (p.Gln1198Arg)

Gene: DICER1 (dicer 1, ribonuclease III; minus strand). Cytogenetic location: 14q32.13.
Variant type: single nucleotide variant.
Coding change: c.3593A>G on transcript NM_177438.3 (MANE Select); coding-DNA position 3593, A replaced by G.
Protein change: p.Gln1198Arg; replaces glutamine 1198 with arginine.
Molecular consequence: missense variant. On other transcripts: non-coding transcript variant (6).
Genome position (GRCh38, 1-based): chr14:95,103,803, T>C on the plus strand (A>G on the coding strand, the complement: DICER1 is on the minus strand). VCF-style: chr14-95103803-T-C. GRCh37 (hg19) VCF-style: chr14-95570140-T-C.
Other names: c.3593A>G, p.Gln1198Arg (NM_001195573.1, NM_001271282.3, NM_001291628.2 and 13 more transcripts); c.3311A>G, p.Gln1104Arg (NM_001395686.1); c.3188A>G, p.Gln1063Arg (NM_001395687.1, NM_001395688.1, NM_001395689.1 and 2 more transcripts); c.3026A>G, p.Gln1009Arg (NM_001395691.1); c.1910A>G, p.Gln637Arg (NM_001395697.1); short protein forms Q1198R, Q1063R, Q1104R, Q637R, Q1009R.
Identifiers: ClinVar variation 1733002 (VCV001733002.2), dbSNP rs2542706875, ClinGen allele CA390874777.